The following is an entry in ClinVar:

NM_001365480.1(CCDC88A):c.5417G>C (p.Ser1806Thr)

Gene: CCDC88A (coiled-coil and HOOK domain protein 88A; minus strand). Cytogenetic location: 2p16.1.
Variant type: single nucleotide variant.
Coding change: c.5417G>C on transcript NM_001365480.1 (MANE Select); coding-DNA position 5417, G replaced by C.
Protein change: p.Ser1806Thr; replaces serine 1806 with threonine.
Molecular consequence: missense variant. On other transcripts: intron variant (1).
Genome position (GRCh38, 1-based): chr2:55,295,731, C>G on the plus strand (G>C on the coding strand, the complement: CCDC88A is on the minus strand). VCF-style: chr2-55295731-C-G. GRCh37 (hg19) VCF-style: chr2-55522867-C-G.
Other names: c.5414G>C, p.Ser1805Thr (NM_001135597.2); c.5333G>C, p.Ser1778Thr (NM_018084.5); c.5196-4G>C (NM_001254943.2); short protein forms S1778T, S1805T, S1806T.
Identifiers: ClinVar variation 1421359 (VCV001421359.8), dbSNP rs759265232, ClinGen allele CA1665329.

ClinVar aggregate classification (germline): Uncertain significance (1 of 4 stars; one submission).

Allele frequency attached by ClinVar (database versions not stated): gnomAD exomes below 0.00001; ExAC 0.00001.
gnomAD v4.1: 2 of 1,614,158 alleles (0.00012%); highest among the groups gnomAD compares: Non-Finnish European, 0.000085%; no homozygotes.

Submission:

Labcorp Genetics (formerly Invitae), Labcorp
Classification: Uncertain significance. Last evaluated: 2021-02-18. Review status: criteria provided, single submitter. Criteria: Invitae Variant Classification Sherloc (09022015). Collection method: clinical testing. Allele origin: germline.
Comment: This sequence change replaces serine with threonine at codon 1805 of the CCDC88A protein (p.Ser1805Thr). The serine residue is moderately conserved and there is a small physicochemical difference between serine and threonine. This variant is present in population databases (rs759265232, ExAC 0.001%). This variant has not been reported in the literature in individuals with CCDC88A-related conditions. Algorithms developed to predict the effect of missense changes on protein structure and function are either unavailable or do not agree on the potential impact of this missense change (SIFT: "Deleterious"; PolyPhen-2: "Probably Damaging"; Align-GVGD: "Class C0"). In summary, the available evidence is currently insufficient to determine the role of this variant in disease. Therefore, it has been classified as a Variant of Uncertain Significance.